The following is an entry in ClinVar:

ClinVar aggregate classification (germline): Pathogenic (1 of 4 stars; one submission).

Submission:

Labcorp Genetics (formerly Invitae), Labcorp
Classification: Pathogenic. Last evaluated: 2022-07-16. Review status: criteria provided, single submitter. Criteria: Invitae Variant Classification Sherloc (09022015). Collection method: clinical testing. Allele origin: germline.
Comment: This sequence change creates a premature translational stop signal (p.Trp273*) in the NYX gene. While this is not anticipated to result in nonsense mediated decay, it is expected to disrupt the last 209 amino acid(s) of the NYX protein. This variant is not present in population databases (gnomAD no frequency). This premature translational stop signal has been observed in individual(s) with night blindness (PMID: 23289809). This variant disrupts a region of the NYX protein in which other variant(s) (p.Cys362*) have been determined to be pathogenic (Invitae). This suggests that this is a clinically significant region of the protein, and that variants that disrupt it are likely to be disease-causing. For these reasons, this variant has been classified as Pathogenic.

Literature cited by the submitters: PubMed 23289809.

NM_001378477.3(NYX):c.804G>A (p.Trp268Ter)

Gene: NYX (nyctalopin; plus strand). Cytogenetic location: Xp11.4.
Variant type: single nucleotide variant.
Coding change: c.804G>A on transcript NM_001378477.3 (MANE Select); coding-DNA position 804, G replaced by A.
Protein change: p.Trp268Ter; replaces tryptophan 268 with a stop codon.
Molecular consequence: nonsense.
Genome position (GRCh38, 1-based): chrX:41,474,272, G>A. VCF-style: chrX-41474272-G-A. GRCh37 (hg19) VCF-style: chrX-41333525-G-A.
Other names: c.804G>A, p.Trp268Ter (NM_022567.3); short protein forms W268*.
Identifiers: ClinVar variation 2138553 (VCV002138553.4), dbSNP rs2519608175, ClinGen allele CA412991287.